The following is an entry in ClinVar:

NM_002519.3(NPAT):c.1652G>A (p.Cys551Tyr)

Gene: NPAT (nuclear protein, coactivator of histone transcription; minus strand). Cytogenetic location: 11q22.3.
Variant type: single nucleotide variant.
Coding change: c.1652G>A on transcript NM_002519.3 (MANE Select); coding-DNA position 1652, G replaced by A.
Protein change: p.Cys551Tyr; replaces cysteine 551 with tyrosine.
Molecular consequence: missense variant.
Genome position (GRCh38, 1-based): chr11:108,173,332, C>T on the plus strand (G>A on the coding strand, the complement: NPAT is on the minus strand). VCF-style: chr11-108173332-C-T. GRCh37 (hg19) VCF-style: chr11-108044059-C-T.
Other names: c.1652G>A, p.Cys551Tyr (NM_001321307.1); short protein forms C551Y.
Identifiers: ClinVar variation 3222480 (VCV003222480.1), dbSNP rs1178316656, ClinGen allele CA382514669.

ClinVar aggregate classification (germline): Uncertain significance (1 of 4 stars; one submission).

gnomAD v4.1: 2 of 1,612,882 alleles (0.00012%); highest among the groups gnomAD compares: Non-Finnish European, 0.00017%; no homozygotes.

Submission:

Ambry Genetics
Classification: Uncertain significance. Last evaluated: 2023-11-04. Review status: criteria provided, single submitter. Criteria: Ambry Variant Classification Scheme 2023. Collection method: clinical testing. Allele origin: germline.
Comment: The p.C551Y variant (also known as c.1652G>A), located in coding exon 13 of the NPAT gene, results from a G to A substitution at nucleotide position 1652. The cysteine at codon 551 is replaced by tyrosine, an amino acid with highly dissimilar properties. This amino acid position is conserved. In addition, this alteration is predicted to be tolerated by in silico analysis. Since supporting evidence is limited at this time, the clinical significance of this alteration remains unclear.